The following is an entry in ClinVar:

NM_033100.4(CDHR1):c.677T>C (p.Phe226Ser)

Gene: CDHR1 (cadherin related family member 1; plus strand). Cytogenetic location: 10q23.1.
Variant type: single nucleotide variant.
Coding change: c.677T>C on transcript NM_033100.4 (MANE Select); coding-DNA position 677, T replaced by C.
Protein change: p.Phe226Ser; replaces phenylalanine 226 with serine.
Molecular consequence: missense variant.
Genome position (GRCh38, 1-based): chr10:84,203,017, T>C. VCF-style: chr10-84203017-T-C. GRCh37 (hg19) VCF-style: chr10-85962773-T-C.
Other names: c.677T>C, p.Phe226Ser (NM_001171971.3); short protein forms F226S.
Identifiers: ClinVar variation 972251 (VCV000972251.9), dbSNP rs777940870, ClinGen allele CA5579642.
Genomic context (GRCh38, chr10:84,203,017, plus strand): 5'-TGTGGCCTCCGATTCTTCTGCAGGATGGCGGTGGGAGGCTTCATGGGGCTGATGTGGTGT[T>C]CTCAGCCACCACCACGGTCACGGTCAATGTGGAGGATGTTCAGGACATGGCCCCTGTCTT-3'
Protein context (NP_149091.1, residues 216-236): GGRLHGADVV[Phe226Ser]SATTTVTVNV

ClinVar aggregate classification (germline): Uncertain significance. Review status: criteria provided, multiple submitters, no conflicts (2 of 4 stars). 2 submissions from 2 submitters: Uncertain significance (2). Last evaluated 2024-10-29.

Allele frequency attached by ClinVar (database versions not stated): gnomAD 0.00003; ExAC 0.00004; gnomAD exomes 0.00005 and 0.00006; TOPMed 0.00005.
gnomAD v4.1: 91 of 1,614,026 alleles (0.0056%); highest among the groups gnomAD compares: Admixed American, 0.012%; no homozygotes.

Submissions (2):

Labcorp Genetics (formerly Invitae), Labcorp
Classification: Uncertain significance. Last evaluated: 2024-10-29. Review status: criteria provided, single submitter. Criteria: Invitae Variant Classification Sherloc (09022015). Collection method: clinical testing. Allele origin: germline.
Comment: This sequence change replaces phenylalanine, which is neutral and non-polar, with serine, which is neutral and polar, at codon 226 of the CDHR1 protein (p.Phe226Ser). This variant is present in population databases (rs777940870, gnomAD 0.01%). This missense change has been observed in individual(s) with CDHR1-related conditions (PMID: 32483926). ClinVar contains an entry for this variant (Variation ID: 972251). Invitae Evidence Modeling of protein sequence and biophysical properties (such as structural, functional, and spatial information, amino acid conservation, physicochemical variation, residue mobility, and thermodynamic stability) indicates that this missense variant is not expected to disrupt CDHR1 protein function with a negative predictive value of 80%. In summary, the available evidence is currently insufficient to determine the role of this variant in disease. Therefore, it has been classified as a Variant of Uncertain Significance.

Blueprint Genetics
Classification: Uncertain significance. Last evaluated: 2022-03-01. Review status: criteria provided, single submitter. Criteria: ACMG Guidelines, 2015. Collection method: clinical testing. Allele origin: germline.

Literature cited by the submitters: PubMed 32483926 (cited by Labcorp Genetics (formerly Invitae), Labcorp).